The following is an entry in ClinVar:

ClinVar aggregate classification (germline): Likely benign (0 of 4 stars; one submission).

Conditions:
IFT74-related disorder. Also called: IFT74-related condition; IFT74-Related Disorders.

gnomAD v4.1: 2 of 1,582,342 alleles (0.00013%); highest among the groups gnomAD compares: Non-Finnish European, 0.00017%; no homozygotes.

Submission:

PreventionGenetics, part of Exact Sciences
Classification: Likely benign for IFT74-related condition. Last evaluated: 2021-10-28. Review status: no assertion criteria provided. Collection method: clinical testing. Allele origin: germline.
Comment: This variant is classified as likely benign based on ACMG/AMP sequence variant interpretation guidelines (Richards et al. 2015 PMID: 25741868, with internal and published modifications).

NM_025103.4(IFT74):c.404+4A>T

Gene: IFT74 (intraflagellar transport 74; plus strand). Cytogenetic location: 9p21.2.
Variant type: single nucleotide variant.
Coding change: c.404+4A>T on transcript NM_025103.4 (MANE Select); 4 bases into the intron after coding-DNA position 404, A replaced by T.
Molecular consequence: intron variant.
Genome position (GRCh38, 1-based): chr9:26,984,359, A>T. VCF-style: chr9-26984359-A-T. GRCh37 (hg19) VCF-style: chr9-26984357-A-T.
Other names: c.404+4A>T (NM_001099223.3, NM_001099222.3, NM_001349928.2 and 1 more transcripts).
Identifiers: ClinVar variation 3354606 (VCV003354606.1).
Genomic context (GRCh38, chr9:26,984,359, plus strand): 5'-GAAGGGAATAGAAATGTACAATCAAGAGAATTCAGTATATTTGTCATATGAAAAGAGGTG[A>T]GTAATAAGTATTCAGTATTCATTCAGTATTTTGTGCTTATAATACTAACTTTGTAGCTAT-3'